The following is an entry in ClinVar:

NM_004273.5(CHST3):c.37G>A (p.Asp13Asn)

Gene: CHST3 (carbohydrate sulfotransferase 3; plus strand). Cytogenetic location: 10q22.1.
Variant type: single nucleotide variant.
Coding change: c.37G>A on transcript NM_004273.5 (MANE Select); coding-DNA position 37, G replaced by A.
Protein change: p.Asp13Asn; replaces aspartic acid 13 with asparagine.
Molecular consequence: missense variant.
Genome position (GRCh38, 1-based): chr10:72,005,879, G>A. VCF-style: chr10-72005879-G-A. GRCh37 (hg19) VCF-style: chr10-73765637-G-A.
Other names: short protein forms D13N.
Identifiers: ClinVar variation 2173804 (VCV002173804.1), dbSNP rs376899300, ClinGen allele CA5547990.
Genomic context (GRCh38, chr10:72,005,879, plus strand): 5'-GCCCCCACGGCCCCACCTTTCCCCATGGAGAAAGGACTCACTTTGCCCCAGGACTGCCGG[G>A]ACTTTGTGCACAGCCTGAAGATGAGAAGCAAATACGCCCTTTTCTTGGTTTTTGTGGTGA-3'
Protein context (NP_004264.2, residues 3-23): KGLTLPQDCR[Asp13Asn]FVHSLKMRSK

ClinVar aggregate classification (germline): Uncertain significance (1 of 4 stars; one submission).

Conditions:
Spondyloepiphyseal dysplasia with congenital joint dislocations (SEDCJD). Also called: Chondrodysplasia with Congenital Joint Dislocations, CHST3-Related. Identifiers: Orphanet 263463, MedGen C1837657, MONDO:0007738, OMIM 143095.

Allele frequency attached by ClinVar (database versions not stated): TOPMed 0.00002; ExAC 0.00004; gnomAD 0.00005; ESP Exome Variant Server 0.00008.
gnomAD v4.1: 75 of 1,614,092 alleles (0.0046%); highest among the groups gnomAD compares: Non-Finnish European, 0.0059%; no homozygotes.

Submission:

Labcorp Genetics (formerly Invitae), Labcorp
Classification: Uncertain significance for Spondyloepiphyseal dysplasia with congenital joint dislocations. Last evaluated: 2022-05-09. Review status: criteria provided, single submitter. Criteria: Invitae Variant Classification Sherloc (09022015). Collection method: clinical testing. Allele origin: germline.
Comment: This sequence change replaces aspartic acid, which is acidic and polar, with asparagine, which is neutral and polar, at codon 13 of the CHST3 protein (p.Asp13Asn). This variant is present in population databases (rs376899300, gnomAD 0.004%). This variant has not been reported in the literature in individuals affected with CHST3-related conditions. Algorithms developed to predict the effect of missense changes on protein structure and function (SIFT, PolyPhen-2, Align-GVGD) all suggest that this variant is likely to be tolerated. In summary, the available evidence is currently insufficient to determine the role of this variant in disease. Therefore, it has been classified as a Variant of Uncertain Significance.